The following is an entry in ClinVar:

NM_001851.6(COL9A1):c.494A>C (p.Gln165Pro)

Gene: COL9A1 (collagen type IX alpha 1 chain; minus strand). Cytogenetic location: 6q13.
Variant type: single nucleotide variant.
Coding change: c.494A>C on transcript NM_001851.6 (MANE Select); coding-DNA position 494, A replaced by C.
Protein change: p.Gln165Pro; replaces glutamine 165 with proline.
Molecular consequence: missense variant.
Genome position (GRCh38, 1-based): chr6:70,294,369, T>G on the plus strand (A>C on the coding strand, the complement: COL9A1 is on the minus strand). VCF-style: chr6-70294369-T-G. GRCh37 (hg19) VCF-style: chr6-71004072-T-G.
Other names: c.494A>C, p.Gln165Pro (NM_001377291.1); short protein forms Q165P.
Identifiers: ClinVar variation 1057417 (VCV001057417.6), dbSNP rs772666114, ClinGen allele CA364671216.

ClinVar aggregate classification (germline): Uncertain significance (1 of 4 stars; one submission).

Submission:

Labcorp Genetics (formerly Invitae), Labcorp
Classification: Uncertain significance. Last evaluated: 2021-08-27. Review status: criteria provided, single submitter. Criteria: Invitae Variant Classification Sherloc (09022015). Collection method: clinical testing. Allele origin: germline.
Comment: This sequence change replaces glutamine with proline at codon 165 of the COL9A1 protein (p.Gln165Pro). The glutamine residue is highly conserved and there is a moderate physicochemical difference between glutamine and proline. This variant is not present in population databases (ExAC no frequency). This variant has not been reported in the literature in individuals affected with COL9A1-related conditions. Experimental studies and prediction algorithms are not available or were not evaluated, and the functional significance of this variant is currently unknown. In summary, the available evidence is currently insufficient to determine the role of this variant in disease. Therefore, it has been classified as a Variant of Uncertain Significance.